The following is an entry in ClinVar:

ClinVar aggregate classification (germline): Benign/Likely benign. Review status: criteria provided, multiple submitters, no conflicts (2 of 4 stars). 9 submissions from 9 submitters: Benign (5); Likely benign (2). 2 of the submissions do not count toward it. Last evaluated 2026-02-04.

Conditions:
X-linked severe congenital neutropenia (SCNX). Identifiers: Orphanet 86788, MedGen C1845987, MONDO:0010294, OMIM 300299.
Wiskott-Aldrich syndrome (WAS). Also called: ALDRICH SYNDROME; IMMUNODEFICIENCY 2; Wiskott-aldrich syndrome, somatic; WISKOTT-ALDRICH SYNDROME 1. Identifiers: Orphanet 906, MedGen C0043194, MONDO:0010518, OMIM 301000.
Thrombocytopenia 1. Also called: X-Linked Thrombocytopenia (XLT); X-linked thrombocytopenia with normal platelets; THROMBOCYTOPENIA, X-LINKED, 1. Identifiers: Orphanet 268322, Orphanet 852, MedGen C1839163, MONDO:0010743, OMIM 313900.

Submissions (9):

Labcorp Genetics (formerly Invitae), Labcorp
Classification: Benign for Wiskott-Aldrich syndrome; X-linked severe congenital neutropenia; Thrombocytopenia 1. Last evaluated: 2026-02-04. Review status: criteria provided, single submitter. Criteria: Invitae Variant Classification Sherloc (09022015). Collection method: clinical testing. Allele origin: germline.

Blueprint Genetics
Classification: Likely benign. Last evaluated: 2024-11-15. Review status: criteria provided, single submitter. Criteria: ACMG Guidelines, 2015. Collection method: clinical testing. Allele origin: germline.

GeneDx
Classification: Benign. Last evaluated: 2021-08-13. Review status: criteria provided, single submitter. Criteria: GeneDx Variant Classification Process June 2021. Collection method: clinical testing. Allele origin: germline. Affected: yes.
Comment: In silico analysis supports that this variant does not alter splicing; This variant is associated with the following publications: (PMID: 30738478)

Mayo Clinic Laboratories, Mayo Clinic
Classification: Benign. Last evaluated: 2020-01-09. Review status: criteria provided, single submitter. Criteria: ACMG Guidelines, 2015. Collection method: clinical testing. Allele origin: germline. Observed: 10 variant alleles.

Women's Health and Genetics/Laboratory Corporation of America, LabCorp
Classification: Benign. Last evaluated: 2018-09-12. Review status: criteria provided, single submitter. Criteria: LabCorp Variant Classification Summary - May 2015. Collection method: clinical testing. Allele origin: germline.
Comment: Variant summary: WAS c.273+10_273+11dupCC alters a nucleotide located close to a canonical splice site and therefore could affect mRNA splicing, leading to a significantly altered protein sequence. 5/5 computational tools predict no significant impact on normal splicing. However, these predictions have yet to be confirmed by functional studies. The variant allele was found at a frequency of 0.0046 in 176885 control chromosomes, predominantly at a frequency of 221 within the East Asian subpopulation in the gnomAD database, including 25 homozygotes. The observed variant frequency within East Asian control individuals in the gnomAD database is approximately 62508.24 fold of the estimated maximal expected allele frequency for a pathogenic variant in WAS causing Wiskott-Aldrich Syndrome phenotype (0.0035), strongly suggesting that the variant is a benign polymorphism found primarily in populations of East Asian origin. To our knowledge, no occurrence of c.273+10_273+11dupCC in individuals affected with Wiskott-Aldrich Syndrome and no experimental evidence demonstrating its impact on protein function have been reported. Two clinical diagnostic laboratories have submitted clinical-significance assessments for this variant to ClinVar after 2014 without evidence for independent evaluation. All laboratories classified the variant as benign/likely benign. Based on the evidence outlined above, the variant was classified as benign.

Genomic Diagnostic Laboratory, Division of Genomic Diagnostics, Children's Hospital of Philadelphia
Classification: Benign. Last evaluated: 2015-10-30. Review status: criteria provided, single submitter. Criteria: DGD Variant Analysis Guidelines. Collection method: clinical testing. Allele origin: unknown.

PreventionGenetics, part of Exact Sciences
Classification: Likely benign. Review status: criteria provided, single submitter. Criteria: ACMG Guidelines, 2015. Collection method: clinical testing. Allele origin: germline.

Clinical Genetics DNA and cytogenetics Diagnostics Lab, Erasmus MC, Erasmus Medical Center
Classification: Likely benign. Review status: no assertion criteria provided. Collection method: clinical testing. Allele origin: germline. Affected: yes. Study: VKGL Data-share Consensus. Not counted in ClinVar's aggregate classification.

Genome Diagnostics Laboratory, Amsterdam University Medical Center
Classification: Benign. Review status: no assertion criteria provided. Collection method: clinical testing. Allele origin: germline. Affected: yes. Study: VKGL Data-share Consensus. Not counted in ClinVar's aggregate classification.

NM_000377.3(WAS):c.273+10_273+11dup

Gene: WAS (WASP actin nucleation promoting factor; plus strand). Cytogenetic location: Xp11.23.
Variant type: Duplication.
Coding change: c.273+10_273+11dup on transcript NM_000377.3 (MANE Select); bases 10 to 11 of the intron after coding-DNA position 273, 2 bases duplicated (CC; older notation c.273+10_273+11dupCC).
Molecular consequence: intron variant.
Genome position (GRCh38, 1-based): chrX:48,684,433-48,684,434, CC duplicated; duplicating any 2 consecutive bases within chrX:48,684,428-48,684,434 gives the same sequence; the c. name uses the placement nearest the transcript's 3' end. VCF-style (leftmost placement, unchanged base first): chrX-48684427-A-ACC. GRCh37 (hg19) VCF-style: chrX-48542816-A-ACC.
Other names: p.?; c.273+10_273+11dupCC (NM_000377.2).
Identifiers: ClinVar variation 36909 (VCV000036909.20), dbSNP rs58371799, ClinGen allele CA342893.